The following is an entry in ClinVar:

NM_001130823.3(DNMT1):c.-19G>C

Gene: DNMT1 (DNA methyltransferase 1; minus strand). Cytogenetic location: 19p13.2.
Variant type: single nucleotide variant.
Coding change: c.-19G>C on transcript NM_001130823.3 (MANE Select); 19 bases upstream of the start codon, G replaced by C.
Molecular consequence: 5 prime UTR variant.
Genome position (GRCh38, 1-based): chr19:10,194,918, C>G on the plus strand (G>C on the coding strand, the complement: DNMT1 is on the minus strand). VCF-style: chr19-10194918-C-G. GRCh37 (hg19) VCF-style: chr19-10305594-C-G.
Other names: c.-19G>C (NM_001318730.2, NM_001379.4); c.-342G>C (NM_001318731.2).
Identifiers: ClinVar variation 4536834 (VCV004536834.1).

ClinVar aggregate classification (germline): Uncertain significance (1 of 4 stars; one submission).

gnomAD v4.1: 1 of 1,599,324 alleles (0.000063%); highest among the groups gnomAD compares: East Asian, 0.0023%; no homozygotes.

Submission:

Women's Health and Genetics/Laboratory Corporation of America, LabCorp
Classification: Uncertain significance. Last evaluated: 2025-11-11. Review status: criteria provided, single submitter. Criteria: LabCorp Variant Classification Summary - May 2015. Collection method: clinical testing. Allele origin: germline.
Comment: Variant summary: DNMT1 c.-19G>C is located in the untranslated mRNA region upstream of the initiation codon. The frequency data for this variant in gnomAD is considered unreliable, as metrics indicate poor data quality at this position. To our knowledge, no occurrence of c.-19G>C in individuals affected with DNMT1-related conditions and no experimental evidence demonstrating its impact on protein function have been reported. No submitters have cited clinical-significance assessments for this variant to ClinVar. Based on the evidence outlined above, the variant was classified as uncertain significance.